The following is an entry in ClinVar:

ClinVar aggregate classification (germline): Uncertain significance. Review status: criteria provided, multiple submitters, no conflicts (2 of 4 stars). 3 submissions from 3 submitters: Uncertain significance (3). Last evaluated 2022-07-04.

Conditions:
ABCA4-related disorder. Also called: ABCA4-related condition; ABCA4-related disorders. Identifiers: MedGen CN239167.

Allele frequency attached by ClinVar (database versions not stated): gnomAD exomes 0.00001 and 0.00002; gnomAD 0.00002 and 0.00003; TOPMed 0.00005.
gnomAD v4.1: 24 of 1,614,078 alleles (0.0015%); highest among the groups gnomAD compares: Middle Eastern, 0.049%; no homozygotes.

Submissions (3):

Labcorp Genetics (formerly Invitae), Labcorp
Classification: Uncertain significance. Last evaluated: 2022-07-04. Review status: criteria provided, single submitter. Criteria: Invitae Variant Classification Sherloc (09022015). Collection method: clinical testing. Allele origin: germline.
Comment: This sequence change replaces alanine, which is neutral and non-polar, with threonine, which is neutral and polar, at codon 2147 of the ABCA4 protein (p.Ala2147Thr). This variant is present in population databases (no rsID available, gnomAD 0.02%). This variant has not been reported in the literature in individuals affected with ABCA4-related conditions. ClinVar contains an entry for this variant (Variation ID: 875640). Advanced modeling of protein sequence and biophysical properties (such as structural, functional, and spatial information, amino acid conservation, physicochemical variation, residue mobility, and thermodynamic stability) performed at Invitae indicates that this missense variant is not expected to disrupt ABCA4 protein function. In summary, the available evidence is currently insufficient to determine the role of this variant in disease. Therefore, it has been classified as a Variant of Uncertain Significance.

Blueprint Genetics
Classification: Uncertain significance. Last evaluated: 2018-12-11. Review status: criteria provided, single submitter. Criteria: ACMG Guidelines, 2015. Collection method: clinical testing. Allele origin: germline.

Illumina Laboratory Services, Illumina
Classification: Uncertain significance for ABCA4-Related Disorders. Last evaluated: 2017-04-28. Review status: criteria provided, single submitter. Criteria: ICSL Variant Classification Criteria 13 December 2019. Collection method: clinical testing. Allele origin: germline.

NM_000350.3(ABCA4):c.6439G>A (p.Ala2147Thr)

Gene: ABCA4 (ATP binding cassette subfamily A member 4; minus strand). Cytogenetic location: 1p22.1.
Variant type: single nucleotide variant.
Coding change: c.6439G>A on transcript NM_000350.3 (MANE Select); coding-DNA position 6439, G replaced by A.
Protein change: p.Ala2147Thr; replaces alanine 2147 with threonine.
Molecular consequence: missense variant.
Genome position (GRCh38, 1-based): chr1:94,000,876, C>T on the plus strand (G>A on the coding strand, the complement: ABCA4 is on the minus strand). VCF-style: chr1-94000876-C-T. GRCh37 (hg19) VCF-style: chr1-94466432-C-T.
Other names: c.6217G>A, p.Ala2073Thr (NM_001425324.1); short protein forms A2147T, A2073T.
Identifiers: ClinVar variation 875640 (VCV000875640.6), dbSNP rs966835207, ClinGen allele CA26831527.